The following is an entry in ClinVar:

ClinVar aggregate classification (germline): Uncertain significance. Review status: reviewed by expert panel (3 of 4 stars). 4 submissions from 4 submitters: Uncertain significance (1). 3 of the submissions do not count toward it. Last evaluated 2023-05-27.

Conditions:
Type 2 diabetes mellitus. Also called: Type II diabetes mellitus. Identifiers: MedGen C0011860, MeSH D003924, MONDO:0005148, OMIM 125853, HP:0005978.
Fanconi renotubular syndrome 4 with maturity-onset diabetes of the young (FRTS4). Also called: FRTS4 WITH MODY. Identifiers: Orphanet 93111, MedGen C4014962, MONDO:0014458, OMIM 616026.
Maturity-onset diabetes of the young type 1. Also called: MODY type 1; Diabetes mellitus MODY type 1; MODY HNF4A related; HNF4A-Related Maturity-Onset Diabetes of the Young Type 1; MODY, type I; MILD JUVENILE DIABETES MELLITUS. Identifiers: Orphanet 552, MedGen C1852093, MONDO:0007452, OMIM 125850. Disease mechanism: loss of function.
Maturity-onset diabetes of the young (MODY). Also called: Maturity onset diabetes mellitus in young. Identifiers: Orphanet 552, MedGen C0342276, MONDO:0018911, HP:0004904.
Monogenic diabetes. Identifiers: Orphanet 183625, MedGen C3888631, MONDO:0015967.

Allele frequency attached by ClinVar (database versions not stated): TOPMed below 0.00001.

Submissions (4):

ClinGen Monogenic Diabetes Variant Curation Expert Panel
Classification: Uncertain significance for Monogenic diabetes. Last evaluated: 2023-05-27. Review status: reviewed by expert panel. Criteria: MDEP HNF4A Specificiations 1.0.0. Collection method: curation. Allele origin: germline. Inheritance: Autosomal dominant inheritance.
Comment: The c.1187G>C variant in the HNF4 homeobox A gene, HNF4A, causes an amino acid change of cysteine to serine at codon 396 (p.(Cys396Ser)) of NM_175914.5. This variant is absent from gnomAD v2.1.1 (PM2_Supporting). In summary, c.1187G>C meets the criteria to be classified as a variant of uncertain significance for monogenic diabetes. ACMG/AMP criteria applied, as specified by the ClinGen MDEP (specification version 1.0, approved 11/16/2022): PM2_Supporting.

Fulgent Genetics
Classification: Uncertain significance for Maturity-onset diabetes of the young type 1; Type 2 diabetes mellitus; Fanconi renotubular syndrome 4 with maturity-onset diabetes of the young. Last evaluated: 2024-01-05. Review status: criteria provided, single submitter. Criteria: ACMG Guidelines, 2015. Collection method: clinical testing. Allele origin: germline. Not counted in ClinVar's aggregate classification.

Women's Health and Genetics/Laboratory Corporation of America, LabCorp
Classification: Likely pathogenic for MODY1. Last evaluated: 2011-08-18. Review status: criteria provided, single submitter. Criteria: LabCorp Variant Classification Summary - May 2015. Collection method: curation, clinical testing. Allele origin: germline. Inheritance: autosomal unknown. Affected: yes. Not counted in ClinVar's aggregate classification.
ClinVar note: Converted during submission from likely pathogenic to Likely pathogenic.

Clinical Genomics, Uppaluri K&H Personalized Medicine Clinic
Classification: Likely risk allele for Maturity-onset diabetes of the young. Review status: criteria provided, single submitter. Criteria: K & H Uppaluri Personalized Medicine Clinic Variant Classification & Assertion Criteria_Updated V.1. Collection method: research. Allele origin: unknown. Inheritance: Autosomal dominant inheritance. Not counted in ClinVar's aggregate classification.
Comment: Potent mutations in HNF4A are associated with poor insulin secretion in response to hyperglycemia. Associated with MODY1. Patients initially respond well to sulfonylureas but eventually become insulin dependent. However, more evidence is required to ascertain the role of this particular variant rs193922470 in MODY, yet.

Literature cited by the submitters: DOI 10.1159/000334532 (cited by Clinical Genomics, Uppaluri K&H Personalized Medicine Clinic); PubMed 18268044 (cited by Clinical Genomics, Uppaluri K&H Personalized Medicine Clinic); PubMed 17563455 (cited by Clinical Genomics, Uppaluri K&H Personalized Medicine Clinic); PubMed 32583173 (cited by Clinical Genomics, Uppaluri K&H Personalized Medicine Clinic); PubMed 35052457 (cited by Clinical Genomics, Uppaluri K&H Personalized Medicine Clinic); PubMed 35118593 (cited by Clinical Genomics, Uppaluri K&H Personalized Medicine Clinic).

NM_175914.5(HNF4A):c.1187G>C (p.Cys396Ser)

Gene: HNF4A (hepatocyte nuclear factor 4 alpha; plus strand). Cytogenetic location: 20q13.12.
Variant type: single nucleotide variant.
Coding change: c.1187G>C on transcript NM_175914.5 (MANE Select); coding-DNA position 1187, G replaced by C.
Protein change: p.Cys396Ser; replaces cysteine 396 with serine.
Molecular consequence: missense variant. On other transcripts: splice donor variant (3).
Genome position (GRCh38, 1-based): chr20:44,428,458, G>C. VCF-style: chr20-44428458-G-C. GRCh37 (hg19) VCF-style: chr20-43057098-G-C.
Other names: NM_175914.5(HNF4A):c.1187G>C; p.Cys396Ser; c.1177+1G>C (NM_001287182.2); c.1186+1G>C (NM_001030003.3); c.1252+1G>C (NM_178849.3); c.1253G>C, p.Cys418Ser (NM_000457.6); c.1232G>C, p.Cys411Ser (NM_001258355.2); c.1178G>C, p.Cys393Ser (NM_001287183.2); short protein forms C396S, C418S, C393S, C411S.
Identifiers: ClinVar variation 36344 (VCV000036344.6), dbSNP rs193922470, ClinGen allele CA213906.